The following is an entry in ClinVar:

ClinVar aggregate classification (germline): Uncertain significance. Review status: criteria provided, multiple submitters, no conflicts (2 of 4 stars). 3 submissions from 3 submitters: Uncertain significance (3). Last evaluated 2026-06-30.

Conditions:
Intellectual developmental disorder, X-linked 19. Also called: Intellectual disability, X-linked 19. Identifiers: Orphanet 777, MedGen C0796225, MONDO:0010447, OMIM 300844.
Coffin-Lowry syndrome (CLS). Also called: COFFIN-LOWRY SYNDROME, MILD; Mental retardation with osteocartilaginous abnormalities. Identifiers: Orphanet 192, MedGen C0265252, MONDO:0010561, OMIM 303600.
RPS6KA3-related disorder. Also called: RPS6KA3-related condition.

Allele frequency attached by ClinVar (database versions not stated): TOPMed 0.00001.

Submissions (3):

PreventionGenetics, part of Exact Sciences
Classification: Uncertain significance for RPS6KA3-related condition. Last evaluated: 2026-06-30. Review status: criteria provided, single submitter. Criteria: ACMG Guidelines, 2015. Collection method: clinical testing. Allele origin: germline.
Comment: The RPS6KA3 c.62G>T variant is predicted to result in the amino acid substitution p.Ser21Ile. To our knowledge, this variant has not been reported in the literature or in a large population database, indicating this variant is rare. At this time, the clinical significance of this variant is uncertain due to the absence of conclusive functional and genetic evidence.

GeneDx
Classification: Uncertain significance. Last evaluated: 2023-12-27. Review status: criteria provided, single submitter. Criteria: GeneDx Variant Classification Process June 2021. Collection method: clinical testing. Allele origin: germline. Affected: yes.
Comment: Not observed at significant frequency in large population cohorts (gnomAD); In silico analysis, which includes protein predictors and evolutionary conservation, supports that this variant does not alter protein structure/function; Has not been previously published as pathogenic or benign to our knowledge

Labcorp Genetics (formerly Invitae), Labcorp
Classification: Uncertain significance for Coffin-Lowry syndrome; Intellectual developmental disorder, X-linked 19. Last evaluated: 2022-03-17. Review status: criteria provided, single submitter. Criteria: Invitae Variant Classification Sherloc (09022015). Collection method: clinical testing. Allele origin: germline.
Comment: ClinVar contains an entry for this variant (Variation ID: 1188290). Advanced modeling of protein sequence and biophysical properties (such as structural, functional, and spatial information, amino acid conservation, physicochemical variation, residue mobility, and thermodynamic stability) performed at Invitae indicates that this missense variant is not expected to disrupt RPS6KA3 protein function. In summary, the available evidence is currently insufficient to determine the role of this variant in disease. Therefore, it has been classified as a Variant of Uncertain Significance. This variant has not been reported in the literature in individuals affected with RPS6KA3-related conditions. This sequence change replaces serine, which is neutral and polar, with isoleucine, which is neutral and non-polar, at codon 21 of the RPS6KA3 protein (p.Ser21Ile). This variant is not present in population databases (gnomAD no frequency).

NM_004586.3(RPS6KA3):c.62G>T (p.Ser21Ile)

Genes: RPS6KA3 (ribosomal protein S6 kinase A3; minus strand), LOC130068032 (ATAC-STARR-seq lymphoblastoid silent region 20696; plus strand). Cytogenetic location: Xp22.12.
Variant type: single nucleotide variant.
Coding change: c.62G>T on transcript NM_004586.3 (MANE Select); coding-DNA position 62, G replaced by T.
Protein change: p.Ser21Ile; replaces serine 21 with isoleucine.
Molecular consequence: missense variant.
Genome position (GRCh38, 1-based): chrX:20,266,571, C>A on the plus strand (G>T on the coding strand, the complement: RPS6KA3 is on the minus strand). VCF-style: chrX-20266571-C-A. GRCh37 (hg19) VCF-style: chrX-20284689-C-A.
Other names: short protein forms S21I.
Identifiers: ClinVar variation 1188290 (VCV001188290.10), dbSNP rs996264009, ClinGen allele CA327481710.